The following is an entry in ClinVar:

ClinVar aggregate classification (germline): Uncertain significance. Review status: criteria provided, multiple submitters, no conflicts (2 of 4 stars). 2 submissions from 2 submitters: Uncertain significance (2). Last evaluated 2026-08-05.

Conditions:
Familial thoracic aortic aneurysm and aortic dissection (TAAD). Also called: Thoracic aortic aneurysms and dissections. Identifiers: Orphanet 91387, MedGen C4707243, MONDO:0019625.
Marfan syndrome (MFS). Also called: MARFAN SYNDROME, TYPE I; Marfan syndrome type 1; Marfan's syndrome; Marfan syndrome, classic; FBN1-Related Marfan Syndrome. Identifiers: Orphanet 284963, Orphanet 558, MedGen C0024796, MONDO:0007947, OMIM 154700.
FBN1-related disorder. Also called: FBN1-related disorders.

Allele frequency attached by ClinVar (database versions not stated): gnomAD exomes below 0.00001; gnomAD 0.00001.

Submissions (2):

PreventionGenetics, part of Exact Sciences
Classification: Uncertain significance for FBN1-related condition. Last evaluated: 2026-08-05. Review status: criteria provided, single submitter. Criteria: ACMG Guidelines, 2015. Collection method: clinical testing. Allele origin: germline.
Comment: The FBN1 c.694C>T variant is predicted to result in the amino acid substitution p.Arg232Cys. This variant has been reported in two siblings with bleeding disorder and arthropathy (Saes et al. 2019. PubMed ID: 30431218). This variant is absent in a large population database (gnomAD). At this time, the clinical significance of this variant is uncertain due to the absence of conclusive functional and genetic evidence.

Labcorp Genetics (formerly Invitae), Labcorp
Classification: Uncertain significance for Marfan syndrome; Familial thoracic aortic aneurysm and aortic dissection. Last evaluated: 2022-06-26. Review status: criteria provided, single submitter. Criteria: Invitae Variant Classification Sherloc (09022015). Collection method: clinical testing. Allele origin: germline.
Comment: In summary, the available evidence is currently insufficient to determine the role of this variant in disease. Therefore, it has been classified as a Variant of Uncertain Significance. Advanced modeling of protein sequence and biophysical properties (such as structural, functional, and spatial information, amino acid conservation, physicochemical variation, residue mobility, and thermodynamic stability) performed at Invitae indicates that this missense variant is expected to disrupt FBN1 protein function. This missense change has been observed in individual(s) with clinical features of FBN1-related conditions (PMID: 30431218). This variant is not present in population databases (gnomAD no frequency). This sequence change replaces arginine, which is basic and polar, with cysteine, which is neutral and slightly polar, at codon 232 of the FBN1 protein (p.Arg232Cys).

Literature cited by the submitters: PubMed 30431218 (cited by Labcorp Genetics (formerly Invitae), Labcorp).

NM_000138.5(FBN1):c.694C>T (p.Arg232Cys)

Gene: FBN1 (fibrillin 1; minus strand). Cytogenetic location: 15q21.1.
Variant type: single nucleotide variant.
Coding change: c.694C>T on transcript NM_000138.5 (MANE Select); coding-DNA position 694, C replaced by T.
Protein change: p.Arg232Cys; replaces arginine 232 with cysteine.
Molecular consequence: missense variant.
Genome position (GRCh38, 1-based): chr15:48,537,653, G>A on the plus strand (C>T on the coding strand, the complement: FBN1 is on the minus strand). VCF-style: chr15-48537653-G-A. GRCh37 (hg19) VCF-style: chr15-48829850-G-A.
Other names: c.694C>T, p.Arg232Cys (NM_001406716.1, NM_001406717.1); short protein forms R232C.
Identifiers: ClinVar variation 2153929 (VCV002153929.5), dbSNP rs1310736674, ClinGen allele CA392445863.
Genomic context (GRCh38, chr15:48,537,653, plus strand): 5'-CCATCAGCCCGGGTTTACCTTGACAAGCTCCCGTGCGGATATTTGGAATGAAGCCACGGC[G>A]GCAGGGGTGAGGCTGGGCAGGACACATCTCACAGGGGTGGCCCCAGGCTCGGCCGACTGT-3'
Protein context (NP_000129.3, residues 222-242): EMCPAQPHPC[Arg232Cys]RGFIPNIRTG